The following is an entry in ClinVar:

NM_001458.5(FLNC):c.2007+18A>T

Gene: FLNC (filamin C; plus strand). Cytogenetic location: 7q32.1.
Variant type: single nucleotide variant.
Coding change: c.2007+18A>T on transcript NM_001458.5 (MANE Select); 18 bases into the intron after coding-DNA position 2007, A replaced by T.
Molecular consequence: intron variant.
Genome position (GRCh38, 1-based): chr7:128,841,381, A>T. VCF-style: chr7-128841381-A-T. GRCh37 (hg19) VCF-style: chr7-128481435-A-T.
Other names: c.2007+18A>T (NM_001127487.2).
Identifiers: ClinVar variation 2637631 (VCV002637631.2), dbSNP rs373293417, ClinGen allele CA4474547.

ClinVar aggregate classification (germline): Likely benign. Review status: criteria provided, multiple submitters, no conflicts (2 of 4 stars). 2 submissions from 2 submitters: Likely benign (2). Last evaluated 2024-11-13.

Allele frequency attached by ClinVar (database versions not stated): gnomAD 0.00001; gnomAD exomes 0.00001; ExAC 0.00002; ESP Exome Variant Server 0.00008.
gnomAD v4.1: 9 of 1,613,648 alleles (0.00056%); highest among the groups gnomAD compares: Non-Finnish European, 0.00076%; no homozygotes.

Submissions (2):

Blueprint Genetics
Classification: Likely benign. Last evaluated: 2024-11-13. Review status: criteria provided, single submitter. Criteria: ACMG Guidelines, 2015. Collection method: clinical testing. Allele origin: germline.

Women's Health and Genetics/Laboratory Corporation of America, LabCorp
Classification: Likely benign. Last evaluated: 2023-10-09. Review status: criteria provided, single submitter. Criteria: LabCorp Variant Classification Summary - May 2015. Collection method: clinical testing. Allele origin: germline.
Comment: Variant summary: FLNC c.2007+18A>T alters a non-conserved nucleotide located at a position not widely known to affect splicing. Consensus agreement among computation tools predict no significant impact on normal splicing. However, these predictions have yet to be confirmed by functional studies. The variant allele was found at a frequency of 1.6e-05 in 249354 control chromosomes (gnomAD). The available data on variant occurrences in the general population are insufficient to allow any conclusion about variant significance. To our knowledge, no occurrence of c.2007+18A>T in individuals affected with Cardiomyopathy and no experimental evidence demonstrating its impact on protein function have been reported. No submitters have cited clinical-significance assessments for this variant to ClinVar after 2014. Based on the evidence outlined above, the variant was classified as likely benign.